The following is an entry in ClinVar:

NM_000159.4(GCDH):c.380C>T (p.Ala127Val)

Gene: GCDH (glutaryl-CoA dehydrogenase; plus strand). Cytogenetic location: 19p13.13.
Variant type: single nucleotide variant.
Coding change: c.380C>T on transcript NM_000159.4 (MANE Select); coding-DNA position 380, C replaced by T.
Protein change: p.Ala127Val; replaces alanine 127 with valine.
Molecular consequence: missense variant. On other transcripts: non-coding transcript variant (2).
Genome position (GRCh38, 1-based): chr19:12,893,528, C>T. VCF-style: chr19-12893528-C-T. GRCh37 (hg19) VCF-style: chr19-13004342-C-T.
Other names: c.380C>T, p.Ala127Val (NM_013976.5); short protein forms A127V.
Identifiers: ClinVar variation 2429133 (VCV002429133.3), dbSNP rs2512567898, ClinGen allele CA404317406.

ClinVar aggregate classification (germline): Uncertain significance (1 of 4 stars; one submission).

Submission:

Women's Health and Genetics/Laboratory Corporation of America, LabCorp
Classification: Uncertain significance. Last evaluated: 2023-01-19. Review status: criteria provided, single submitter. Criteria: LabCorp Variant Classification Summary - May 2015. Collection method: clinical testing. Allele origin: germline.
Comment: Variant summary: GCDH c.380C>T (p.Ala127Val) results in a non-conservative amino acid change located in the Acyl-CoA dehydrogenase/oxidase, N-terminal domain (IPR013786) of the encoded protein sequence. Five of five in-silico tools predict a damaging effect of the variant on protein function. The variant was absent in 251442 control chromosomes (gnomAD). The available data on variant occurrences in the general population are insufficient to allow any conclusion about variant significance. c.380C>T has been reported in the literature in at-least one individual affected with Glutaric Acidemia Type 1 (example: Boy_2018). These data do not allow any conclusion about variant significance. To our knowledge, no experimental evidence demonstrating an impact on protein function has been reported. No clinical diagnostic laboratories have submitted clinical-significance assessments for this variant to ClinVar after 2014. Based on the evidence outlined above, the variant was classified as uncertain significance.

Literature cited by the submitters: PubMed 29665094.